The following is an entry in ClinVar:

NM_001276345.2(TNNT2):c.41+5G>A

Gene: TNNT2 (troponin T2, cardiac type; minus strand). Cytogenetic location: 1q32.1.
Variant type: single nucleotide variant.
Coding change: c.41+5G>A on transcript NM_001276345.2 (MANE Select); 5 bases into the intron after coding-DNA position 41, G replaced by A.
Molecular consequence: intron variant.
Genome position (GRCh38, 1-based): chr1:201,373,209, C>T on the plus strand (G>A on the coding strand, the complement: TNNT2 is on the minus strand). VCF-style: chr1-201373209-C-T. GRCh37 (hg19) VCF-style: chr1-201342337-C-T.
Other names: c.41+5G>A (NM_001001430.1, NM_001406727.1, NM_001406724.1 and 10 more transcripts).
Identifiers: ClinVar variation 3751871 (VCV003751871.3).

ClinVar aggregate classification (germline): Uncertain significance. Review status: criteria provided, multiple submitters, no conflicts (2 of 4 stars). 2 submissions from 2 submitters: Uncertain significance (2). Last evaluated 2025-06-13.

Conditions:
Cardiovascular phenotype. Identifiers: MedGen CN230736.
Cardiomyopathy, familial restrictive, 3. Identifiers: Orphanet 75249, MedGen C2676271, MONDO:0012900, OMIM 612422.
Hypertrophic cardiomyopathy 2. Also called: TNNT2-Related Familial Hypertrophic Cardiomyopathy. Identifiers: MedGen C1861864, MONDO:0007266, OMIM 115195.
Dilated cardiomyopathy 1D. Identifiers: Orphanet 154, Orphanet 54260, MedGen C1832243, MONDO:0011095, OMIM 601494.

gnomAD v4.1: 8 of 1,614,094 alleles (0.0005%); highest among the groups gnomAD compares: Non-Finnish European, 0.00068%; no homozygotes.

Submissions (2):

Ambry Genetics
Classification: Uncertain significance for Cardiovascular phenotype. Last evaluated: 2025-06-13. Review status: criteria provided, single submitter. Criteria: Ambry Variant Classification Scheme 2023. Collection method: clinical testing. Allele origin: germline.
Comment: The c.41+5G>A intronic variant results from a G to A substitution 5 nucleotides after coding exon 1 in the TNNT2 gene. This nucleotide position is highly conserved in available vertebrate species. In silico splice site analysis predicts that this alteration will weaken the native splice donor site. Based on the available evidence, the clinical significance of this variant remains unclear.

Labcorp Genetics (formerly Invitae), Labcorp
Classification: Uncertain significance for Cardiomyopathy, familial restrictive, 3; Hypertrophic cardiomyopathy 2; Dilated cardiomyopathy 1D. Last evaluated: 2024-09-13. Review status: criteria provided, single submitter. Criteria: Invitae Variant Classification Sherloc (09022015). Collection method: clinical testing. Allele origin: germline.
Comment: This sequence change falls in intron 2 of the TNNT2 gene. It does not directly change the encoded amino acid sequence of the TNNT2 protein. It affects a nucleotide within the consensus splice site. This variant is present in population databases (rs771830586, gnomAD 0.0009%). This variant has not been reported in the literature in individuals affected with TNNT2-related conditions. Variants that disrupt the consensus splice site are a relatively common cause of aberrant splicing (PMID: 17576681, 9536098). Algorithms developed to predict the effect of sequence changes on RNA splicing suggest that this variant may disrupt the consensus splice site. In summary, the available evidence is currently insufficient to determine the role of this variant in disease. Therefore, it has been classified as a Variant of Uncertain Significance.

Literature cited by the submitters: PubMed 17576681 (cited by Labcorp Genetics (formerly Invitae), Labcorp); PubMed 9536098 (cited by Labcorp Genetics (formerly Invitae), Labcorp).